The following is an entry in ClinVar:

NM_003036.4(SKI):c.1556G>T (p.Arg519Leu)

Gene: SKI (SKI proto-oncogene; plus strand). Cytogenetic location: 1p36.32.
Variant type: single nucleotide variant.
Coding change: c.1556G>T on transcript NM_003036.4 (MANE Select); coding-DNA position 1556, G replaced by T.
Protein change: p.Arg519Leu; replaces arginine 519 with leucine.
Molecular consequence: missense variant.
Genome position (GRCh38, 1-based): chr1:2,304,374, G>T. VCF-style: chr1-2304374-G-T. GRCh37 (hg19) VCF-style: chr1-2235813-G-T.
Other names: short protein forms R519L.
Identifiers: ClinVar variation 658478 (VCV000658478.8), dbSNP rs376322470, ClinGen allele CA337957238.

ClinVar aggregate classification (germline): Uncertain significance (1 of 4 stars; one submission).

Conditions:
Shprintzen-Goldberg syndrome (SGS). Also called: Marfanoid disorder with craniosynostosis type 1; Marfanoid craniosynostosis syndrome; Shprintzen-Goldberg marfanoid syndrome; SHPRINTZEN-GOLDBERG CRANIOSYNOSTOSIS SYNDROME; CRANIOSYNOSTOSIS WITH ARACHNODACTYLY AND ABDOMINAL HERNIAS. Identifiers: Orphanet 2462, MedGen C1321551, MONDO:0008426, OMIM 182212.

Allele frequency attached by ClinVar (database versions not stated): TOPMed 0.00001.
gnomAD v4.1: 2 of 1,551,764 alleles (0.00013%); highest among the groups gnomAD compares: Non-Finnish European, 0.00017%; no homozygotes.

Submission:

Labcorp Genetics (formerly Invitae), Labcorp
Classification: Uncertain significance for Shprintzen-Goldberg syndrome. Last evaluated: 2018-12-18. Review status: criteria provided, single submitter. Criteria: Invitae Variant Classification Sherloc (09022015). Collection method: clinical testing. Allele origin: germline.
Comment: This sequence change replaces arginine with leucine at codon 519 of the SKI protein (p.Arg519Leu). The arginine residue is weakly conserved and there is a moderate physicochemical difference between arginine and leucine. This variant is not present in population databases (ExAC no frequency). This variant has not been reported in the literature in individuals with SKI-related conditions. Algorithms developed to predict the effect of missense changes on protein structure and function output the following: SIFT: "Tolerated"; PolyPhen-2: "Benign"; Align-GVGD: "Class C0". The leucine amino acid residue is found in multiple mammalian species, suggesting that this missense change does not adversely affect protein function. These predictions have not been confirmed by published functional studies and their clinical significance is uncertain. In summary, the available evidence is currently insufficient to determine the role of this variant in disease. Therefore, it has been classified as a Variant of Uncertain Significance.